The following is an entry in ClinVar:

NM_032737.4(LMNB2):c.85G>C (p.Ala29Pro)

Gene: LMNB2 (lamin B2; minus strand). Cytogenetic location: 19p13.3.
Variant type: single nucleotide variant.
Coding change: c.85G>C on transcript NM_032737.4 (MANE Select); coding-DNA position 85, G replaced by C.
Protein change: p.Ala29Pro; replaces alanine 29 with proline.
Molecular consequence: missense variant.
Genome position (GRCh38, 1-based): chr19:2,456,849, C>G on the plus strand (G>C on the coding strand, the complement: LMNB2 is on the minus strand). VCF-style: chr19-2456849-C-G. GRCh37 (hg19) VCF-style: chr19-2456847-C-G.
Other names: c.25G>C (NM_032737.2); short protein forms A29P.
Identifiers: ClinVar variation 1040374 (VCV001040374.38), dbSNP rs775899258, ClinGen allele CA9067996.

ClinVar aggregate classification (germline): Uncertain significance. Review status: criteria provided, multiple submitters, no conflicts (2 of 4 stars). 3 submissions from 3 submitters: Uncertain significance (3). Last evaluated 2024-08-27.

Conditions:
Lipodystrophy, partial, acquired, susceptibility to (APLD). Also called: APLD, SUSCEPTIBILITY TO. Identifiers: MedGen C3887501, MONDO:0100476, OMIM 608709.
Progressive myoclonic epilepsy type 9. Identifiers: Orphanet 457265, MedGen C4225289, MONDO:0014685, OMIM 616540.

Allele frequency attached by ClinVar (database versions not stated): ExAC below 0.00001; TOPMed 0.00003; gnomAD 0.00004; gnomAD exomes 0.00005 and 0.00008.
gnomAD v4.1: 60 of 1,289,568 alleles (0.0047%); highest among the groups gnomAD compares: Non-Finnish European, 0.0057%; no homozygotes.

Submissions (3):

Labcorp Genetics (formerly Invitae), Labcorp
Classification: Uncertain significance for Progressive myoclonic epilepsy type 9; Lipodystrophy, partial, acquired, susceptibility to. Last evaluated: 2024-08-27. Review status: criteria provided, single submitter. Criteria: Invitae Variant Classification Sherloc (09022015). Collection method: clinical testing. Allele origin: germline.
Comment: This sequence change replaces alanine, which is neutral and non-polar, with proline, which is neutral and non-polar, at codon 29 of the LMNB2 protein (p.Ala29Pro). This variant is present in population databases (rs775899258, gnomAD 0.02%). This variant has not been reported in the literature in individuals affected with LMNB2-related conditions. ClinVar contains an entry for this variant (Variation ID: 1040374). An algorithm developed to predict the effect of missense changes on protein structure and function (PolyPhen-2) suggests that this variant is likely to be disruptive. In summary, the available evidence is currently insufficient to determine the role of this variant in disease. Therefore, it has been classified as a Variant of Uncertain Significance.

Ambry Genetics
Classification: Uncertain significance. Last evaluated: 2022-10-03. Review status: criteria provided, single submitter. Criteria: Ambry Variant Classification Scheme 2023. Collection method: clinical testing. Allele origin: germline.

CeGaT Center for Human Genetics Tuebingen
Classification: Uncertain significance. Last evaluated: 2022-10-01. Review status: criteria provided, single submitter. Criteria: CeGaT Center For Human Genetics Tuebingen Variant Classification Criteria Version 2. Collection method: clinical testing. Allele origin: germline. Affected: yes. Observed: 1 variant allele.